The following is an entry in ClinVar:

NM_001035.3(RYR2):c.3482T>C (p.Val1161Ala)

Gene: RYR2 (ryanodine receptor 2; plus strand). Cytogenetic location: 1q43.
Variant type: single nucleotide variant.
Coding change: c.3482T>C on transcript NM_001035.3 (MANE Select); coding-DNA position 3482, T replaced by C.
Protein change: p.Val1161Ala; replaces valine 1161 with alanine.
Molecular consequence: missense variant.
Genome position (GRCh38, 1-based): chr1:237,569,203, T>C. VCF-style: chr1-237569203-T-C. GRCh37 (hg19) VCF-style: chr1-237732503-T-C.
Other names: c.3482T>C (NM_001035.2); short protein forms V1161A.
Identifiers: ClinVar variation 1471067 (VCV001471067.8), dbSNP rs2148275449, ClinGen allele CA345390109.
Genomic context (GRCh38, chr1:237,569,203, plus strand): 5'-AGGCCCAGCGGTGGCATCAGGGCAATGAACACTATGGGCGCTCTTGGCAAGCAGGCGATG[T>C]CGTGGGGTGTATGGTTGACATGAACGAACACACCATGATGTTCACACTGAATGGTGAAAT-3'
Protein context (NP_001026.2, residues 1151-1171): HYGRSWQAGD[Val1161Ala]VGCMVDMNEH

ClinVar aggregate classification (germline): Uncertain significance. Review status: criteria provided, multiple submitters, no conflicts (2 of 4 stars). 2 submissions from 2 submitters: Uncertain significance (2). Last evaluated 2023-12-06.

Conditions:
Cardiovascular phenotype. Identifiers: MedGen CN230736.
Catecholaminergic polymorphic ventricular tachycardia 1. Also called: RYR2-Related Catecholaminergic Polymorphic Ventricular Tachycardia; VENTRICULAR TACHYCARDIA, STRESS-INDUCED POLYMORPHIC 1; VENTRICULAR TACHYCARDIA, CATECHOLAMINERGIC POLYMORPHIC, 1, WITH OR WITHOUT ATRIAL DYSFUNCTION AND/OR DILATED CARDIOMYOPATHY. Identifiers: Orphanet 3286, MedGen C1631597, MONDO:0011484, OMIM 604772.

Submissions (2):

Ambry Genetics
Classification: Uncertain significance for Cardiovascular phenotype. Last evaluated: 2023-12-06. Review status: criteria provided, single submitter. Criteria: Ambry Variant Classification Scheme 2023. Collection method: clinical testing. Allele origin: germline.
Comment: The p.V1161A variant (also known as c.3482T>C), located in coding exon 29 of the RYR2 gene, results from a T to C substitution at nucleotide position 3482. The valine at codon 1161 is replaced by alanine, an amino acid with similar properties. This amino acid position is highly conserved in available vertebrate species. In addition, the in silico prediction for this alteration is inconclusive. Since supporting evidence is limited at this time, the clinical significance of this alteration remains unclear.

Labcorp Genetics (formerly Invitae), Labcorp
Classification: Uncertain significance for Catecholaminergic polymorphic ventricular tachycardia 1. Last evaluated: 2021-09-19. Review status: criteria provided, single submitter. Criteria: Invitae Variant Classification Sherloc (09022015). Collection method: clinical testing. Allele origin: germline.
Comment: This sequence change replaces valine with alanine at codon 1161 of the RYR2 protein (p.Val1161Ala). The valine residue is highly conserved and there is a small physicochemical difference between valine and alanine. In summary, the available evidence is currently insufficient to determine the role of this variant in disease. Therefore, it has been classified as a Variant of Uncertain Significance. Algorithms developed to predict the effect of missense changes on protein structure and function (SIFT, PolyPhen-2, Align-GVGD) all suggest that this variant is likely to be disruptive. This variant has not been reported in the literature in individuals affected with RYR2-related conditions. This variant is not present in population databases (ExAC no frequency).